The following is an entry in ClinVar:

NM_005732.4(RAD50):c.3753-3C>G

Genes: RAD50 (RAD50 double strand break repair protein; plus strand), TH2-LCR (Th2 cytokine locus control region; plus strand), TH2LCRR (T helper type 2 locus control region associated RNA; minus strand). Cytogenetic location: 5q31.1.
Variant type: single nucleotide variant.
Coding change: c.3753-3C>G on transcript NM_005732.4 (MANE Select); 3 bases into the intron before coding-DNA position 3753, C replaced by G.
Molecular consequence: intron variant.
Genome position (GRCh38, 1-based): chr5:132,642,175, C>G. VCF-style: chr5-132642175-C-G. GRCh37 (hg19) VCF-style: chr5-131977867-C-G.
Identifiers: ClinVar variation 480449 (VCV000480449.16), dbSNP rs1314312089, ClinGen allele CA658657543.
Genomic context (GRCh38, chr5:132,642,175, plus strand): 5'-TTTTCAAATCAAAGAAGGGGTTATGCTCTTTACTAATAATATGTTCTGAATATATTGTTG[C>G]AGGATAATAAAAAGTCGCTCACAGCAGCGTAACTTCCAGCTTCTGGTAATCACTCATGAT-3'

ClinVar aggregate classification (germline): Uncertain significance. Review status: criteria provided, multiple submitters, no conflicts (2 of 4 stars). 3 submissions from 3 submitters: Uncertain significance (3). Last evaluated 2024-03-18.

Conditions:
Nijmegen breakage syndrome-like disorder (NBSLD). Also called: MICROCEPHALY AND SPONTANEOUS CHROMOSOME INSTABILITY WITHOUT IMMUNODEFICIENCY; NBS-LIKE DISORDER; RAD50 DEFICIENCY. Identifiers: Orphanet 240760, MedGen C2751318, MONDO:0013118, OMIM 613078.
Hereditary cancer-predisposing syndrome. Also called: Hereditary Cancer Syndrome; Neoplastic Syndromes, Hereditary; Tumor predisposition; Hereditary neoplastic syndrome. Identifiers: Orphanet 140162, MedGen C0027672, MeSH D009386, MONDO:0015356.

Allele frequency attached by ClinVar (database versions not stated): TOPMed 0.00001.

Submissions (3):

Ambry Genetics
Classification: Uncertain significance for Hereditary cancer-predisposing syndrome. Last evaluated: 2024-03-18. Review status: criteria provided, single submitter. Criteria: Ambry Variant Classification Scheme 2023. Collection method: clinical testing. Allele origin: germline.
Comment: The c.3753-3C>G intronic variant results from a C to G substitution 3 nucleotides upstream from coding exon 25 in the RAD50 gene. This nucleotide position is highly conserved in available vertebrate species. In silico splice site analysis predicts that this alteration will weaken the native splice acceptor site. Based on the available evidence, the clinical significance of this alteration remains unclear.

Baylor Genetics
Classification: Uncertain significance for Nijmegen breakage syndrome-like disorder. Last evaluated: 2023-11-08. Review status: criteria provided, single submitter. Criteria: ACMG Guidelines, 2015. Collection method: clinical testing. Allele origin: unknown.

Labcorp Genetics (formerly Invitae), Labcorp
Classification: Uncertain significance for Hereditary cancer-predisposing syndrome. Last evaluated: 2020-03-29. Review status: criteria provided, single submitter. Criteria: Invitae Variant Classification Sherloc (09022015). Collection method: clinical testing. Allele origin: germline.
Comment: In summary, the available evidence is currently insufficient to determine the role of this variant in disease. Therefore, it has been classified as a Variant of Uncertain Significance. Nucleotide substitutions within the consensus splice site are a relatively common cause of aberrant splicing (PMID: 17576681, 9536098). Algorithms developed to predict the effect of sequence changes on RNA splicing suggest that this variant may disrupt the consensus splice site, but this prediction has not been confirmed by published transcriptional studies. This variant has not been reported in the literature in individuals with RAD50-related conditions. ClinVar contains an entry for this variant (Variation ID: 480449). This variant is not present in population databases (ExAC no frequency). This sequence change falls in intron 24 of the RAD50 gene. It does not directly change the encoded amino acid sequence of the RAD50 protein, but it affects a nucleotide within the consensus splice site of the intron.

Literature cited by the submitters: PubMed 17576681 (cited by Labcorp Genetics (formerly Invitae), Labcorp); PubMed 9536098 (cited by Labcorp Genetics (formerly Invitae), Labcorp).